The following is an entry in ClinVar:

NM_033120.4(NKD2):c.431T>A (p.Met144Lys)

Gene: NKD2 (NKD inhibitor of Wnt signaling pathway 2; plus strand). Cytogenetic location: 5p15.33.
Variant type: single nucleotide variant.
Coding change: c.431T>A on transcript NM_033120.4 (MANE Select); coding-DNA position 431, T replaced by A.
Protein change: p.Met144Lys; replaces methionine 144 with lysine.
Molecular consequence: missense variant.
Genome position (GRCh38, 1-based): chr5:1,034,760, T>A. VCF-style: chr5-1034760-T-A. GRCh37 (hg19) VCF-style: chr5-1034875-T-A.
Other names: c.431T>A, p.Met144Lys (NM_001271082.2); short protein forms M144K.
Identifiers: ClinVar variation 781623 (VCV000781623.26), dbSNP rs141899564, ClinGen allele CA3180408.

ClinVar aggregate classification (germline): Benign. Review status: criteria provided, multiple submitters, no conflicts (2 of 4 stars). 3 submissions from 3 submitters: Benign (3). Last evaluated 2023-12-01.

Allele frequency attached by ClinVar (database versions not stated): ExAC 0.00262; ESP Exome Variant Server 0.00500; gnomAD 0.00562; 1000 Genomes Project 0.00579; 1000 Genomes Project 30x 0.00625; TOPMed 0.00666.

Submissions (3):

CeGaT Center for Human Genetics Tuebingen
Classification: Benign. Last evaluated: 2023-12-01. Review status: criteria provided, single submitter. Criteria: CeGaT Center For Human Genetics Tuebingen Variant Classification Criteria Version 2. Collection method: clinical testing. Allele origin: germline. Affected: yes. Observed: 1 variant allele.
Comment: NKD2: BP4, BS1, BS2

Labcorp Genetics (formerly Invitae), Labcorp
Classification: Benign. Last evaluated: 2018-05-18. Review status: criteria provided, single submitter. Criteria: Invitae Variant Classification Sherloc (09022015). Collection method: clinical testing. Allele origin: germline.

Breakthrough Genomics
Classification: Benign. Review status: criteria provided, single submitter. Criteria: ACMG Guidelines, 2015. Collection method: not provided. Allele origin: germline. Inheritance: Unknown mechanism. Affected: yes.